The following is an entry in ClinVar:

NM_004230.4(S1PR2):c.179G>A (p.Arg60Gln)

Gene: S1PR2 (sphingosine-1-phosphate receptor 2; minus strand). Cytogenetic location: 19p13.2.
Variant type: single nucleotide variant.
Coding change: c.179G>A on transcript NM_004230.4 (MANE Select); coding-DNA position 179, G replaced by A.
Protein change: p.Arg60Gln; replaces arginine 60 with glutamine.
Molecular consequence: missense variant.
Genome position (GRCh38, 1-based): chr19:10,224,727, C>T on the plus strand (G>A on the coding strand, the complement: S1PR2 is on the minus strand). VCF-style: chr19-10224727-C-T. GRCh37 (hg19) VCF-style: chr19-10335403-C-T.
Other names: c.179G>A (NM_004230.3); short protein forms R60Q.
Identifiers: ClinVar variation 2768748 (VCV002768748.4), dbSNP rs3745268, ClinGen allele CA9189141.

ClinVar aggregate classification (germline): Likely benign. Review status: criteria provided, multiple submitters, no conflicts (2 of 4 stars). 2 submissions from 2 submitters: Likely benign (2). Last evaluated 2025-10-08.

Conditions:
S1PR2-related disorder. Also called: S1PR2-related condition.

Allele frequency attached by ClinVar (database versions not stated): gnomAD 0.00017; TOPMed 0.00020; ExAC 0.00023; gnomAD exomes 0.00023; 1000 Genomes Project 0.00040; 1000 Genomes Project 30x 0.00047.
gnomAD v4.1: 350 of 1,614,246 alleles (0.022%); highest among the groups gnomAD compares: East Asian, 0.66%; 1 homozygote.

Submissions (2):

Labcorp Genetics (formerly Invitae), Labcorp
Classification: Likely benign. Last evaluated: 2025-10-08. Review status: criteria provided, single submitter. Criteria: Invitae Variant Classification Sherloc (09022015). Collection method: clinical testing. Allele origin: germline.

PreventionGenetics, part of Exact Sciences
Classification: Likely benign for S1PR2-related condition. Last evaluated: 2025-07-24. Review status: criteria provided, single submitter. Criteria: ACMG Guidelines, 2015. Collection method: clinical testing. Allele origin: germline.
Comment: This variant is classified as likely benign based on ACMG/AMP sequence variant interpretation guidelines (Richards et al. 2015 PMID: 25741868, with internal and published modifications).